The following is an entry in ClinVar:

NM_152327.5(AK7):c.285G>C (p.Glu95Asp)

Gene: AK7 (adenylate kinase 7; plus strand). Cytogenetic location: 14q32.2.
Variant type: single nucleotide variant.
Coding change: c.285G>C on transcript NM_152327.5 (MANE Select); coding-DNA position 285, G replaced by C.
Protein change: p.Glu95Asp; replaces glutamic acid 95 with aspartic acid.
Molecular consequence: missense variant.
Genome position (GRCh38, 1-based): chr14:96,398,254, G>C. VCF-style: chr14-96398254-G-C. GRCh37 (hg19) VCF-style: chr14-96864591-G-C.
Other names: c.285G>C, p.Glu95Asp (NM_001350888.2, NM_001350890.2, NM_001350891.2 and 1 more transcripts); c.285G>C (NM_152327.2); short protein forms E95D.
Identifiers: ClinVar variation 2170450 (VCV002170450.3), dbSNP rs376030667, ClinGen allele CA7337400.

ClinVar aggregate classification (germline): Uncertain significance. Review status: criteria provided, multiple submitters, no conflicts (2 of 4 stars). 2 submissions from 2 submitters: Uncertain significance (2). Last evaluated 2023-05-20.

Allele frequency attached by ClinVar (database versions not stated): ExAC 0.00001; gnomAD exomes 0.00001; gnomAD 0.00005; ESP Exome Variant Server 0.00008; TOPMed 0.00014.
gnomAD v4.1: 15 of 1,612,820 alleles (0.00093%); highest among the groups gnomAD compares: African/African-American, 0.011%; no homozygotes.

Submissions (2):

Labcorp Genetics (formerly Invitae), Labcorp
Classification: Uncertain significance. Last evaluated: 2023-05-20. Review status: criteria provided, single submitter. Criteria: Invitae Variant Classification Sherloc (09022015). Collection method: clinical testing. Allele origin: germline.
Comment: In summary, the available evidence is currently insufficient to determine the role of this variant in disease. Therefore, it has been classified as a Variant of Uncertain Significance. Advanced modeling of protein sequence and biophysical properties (such as structural, functional, and spatial information, amino acid conservation, physicochemical variation, residue mobility, and thermodynamic stability) performed at Invitae indicates that this missense variant is not expected to disrupt AK7 protein function. ClinVar contains an entry for this variant (Variation ID: 2170450). This variant has not been reported in the literature in individuals affected with AK7-related conditions. This variant is present in population databases (rs376030667, gnomAD 0.02%). This sequence change replaces glutamic acid, which is acidic and polar, with aspartic acid, which is acidic and polar, at codon 95 of the AK7 protein (p.Glu95Asp).

Ambry Genetics
Classification: Uncertain significance. Last evaluated: 2022-12-21. Review status: criteria provided, single submitter. Criteria: Ambry Variant Classification Scheme 2023. Collection method: clinical testing. Allele origin: germline.